The following is an entry in ClinVar:

NM_020738.4(KIDINS220):c.4880del (p.Gly1627fs)

Gene: KIDINS220 (kinase D interacting substrate 220; minus strand). Cytogenetic location: 2p25.1.
Variant type: Deletion.
Coding change: c.4880del on transcript NM_020738.4 (MANE Select); coding-DNA position 4880, one base deleted (G; older notation c.4880delG).
Protein change: p.Gly1627fs; shifts the reading frame from glycine 1627.
Molecular consequence: frameshift variant. On other transcripts: intron variant (6).
Genome position (GRCh38, 1-based): chr2:8,731,156, C deleted on the plus strand (G on the coding strand, the reverse complement: KIDINS220 is on the minus strand); the first of 4 consecutive C bases (chr2:8,731,156-8,731,159); deleting any one gives the same sequence. VCF-style (leftmost placement, unchanged base first): chr2-8731155-TC-T. GRCh37 (hg19) VCF-style: chr2-8871285-TC-T.
Other names: c.4883del, p.Gly1628fs (NM_001348729.2); c.4826del, p.Gly1609fs (NM_001348731.2); c.4823del, p.Gly1608fs (NM_001348732.2); c.4712del, p.Gly1571fs (NM_001348734.2); c.4709del, p.Gly1570fs (NM_001348735.2); c.4583del, p.Gly1528fs (NM_001348736.2); c.3882+2288del (NM_001348741.2, NM_001348742.2, NM_001348743.2); c.3996+2288del (NM_001348738.2); and 1 more; short protein forms G1528fs, G1570fs, G1571fs, G1608fs, G1609fs, G1627fs, G1628fs.
Identifiers: ClinVar variation 3906336 (VCV003906336.1).

ClinVar aggregate classification (germline): Uncertain significance (1 of 4 stars; one submission).

Submission:

GeneDx
Classification: Uncertain significance. Last evaluated: 2024-12-19. Review status: criteria provided, single submitter. Criteria: GeneDx Variant Classification Process June 2021. Collection method: clinical testing. Allele origin: germline. Affected: yes.
Comment: Not observed at significant frequency in large population cohorts (gnomAD); Frameshift variant predicted to result in abnormal protein length as the last 145 amino acids are replaced with 5 different amino acids; Has not been previously published as pathogenic or benign to our knowledge